The following is an entry in ClinVar:

NM_015335.5(MED13L):c.5244_5248dup (p.Met1750fs)

Gene: MED13L (mediator complex subunit 13L; minus strand). Cytogenetic location: 12q24.21.
Variant type: Duplication.
Coding change: c.5244_5248dup on transcript NM_015335.5 (MANE Select); coding-DNA positions 5244 to 5248, 5 bases duplicated (GTCCA; older notation c.5244_5248dupGTCCA).
Protein change: p.Met1750fs; shifts the reading frame from methionine 1750.
Molecular consequence: frameshift variant.
Genome position (GRCh38, 1-based): chr12:115,980,866-115,980,870, TGGAC duplicated on the plus strand (GTCCA on the coding strand, the reverse complement: MED13L is on the minus strand); duplicating any 5 consecutive bases within chr12:115,980,866-115,980,871 gives the same sequence; the c. name uses the placement nearest the transcript's 3' end. VCF-style (leftmost placement, unchanged base first): chr12-115980865-A-ATGGAC. GRCh37 (hg19) VCF-style: chr12-116418670-A-ATGGAC.
Other names: short protein forms M1750fs.
Identifiers: ClinVar variation 1320085 (VCV001320085.1), dbSNP rs2137264830, ClinGen allele CA2573053604.
Genomic context (GRCh38, chr12:115,980,865, plus strand): 5'-GATTTAATGTGGATCTGTGTAGGCAGTGGTCGCCTGCACTGGCAGTACACTGAAAATGCC[A>ATGGAC]TGGACTTCAAGTATTGAATGTAGAAAACTTGCTCATCCTTCATTGTCTGCAGCATGTACT-3'

ClinVar aggregate classification (germline): Pathogenic (1 of 4 stars; one submission).

Conditions:
Cardiac anomalies - developmental delay - facial dysmorphism syndrome (MRFACD). Also called: Impaired intellectual development and distinctive facial features with or without cardiac defects; MED13L Syndrome. Identifiers: Orphanet 369891, MedGen C5192431, MONDO:0014773, OMIM 616789.

Submission:

3billion
Classification: Pathogenic for Cardiac anomalies - developmental delay - facial dysmorphism syndrome. Last evaluated: 2021-10-02. Review status: criteria provided, single submitter. Criteria: ACMG Guidelines, 2015. Collection method: clinical testing. Allele origin: germline. Affected: yes. Observed: 1 heterozygote.
Comment: Frameshift: predicted to result in a loss or disruption of normal protein function through nonsense-mediated decay (NMD) or protein truncation. Multiple pathogenic variants are reported downstream of the variant (PVS1_VS). The variant was observed as assumed (i.e. paternity and maternity not confirmed) de novoo (3billion dataset, PM6). It is not observed in the gnomAD v2.1.1 dataset (PM2). Therefore, this variant is classified as pathogenic according to the recommendation of ACMG/AMP guideline.